The following is an entry in ClinVar:

NM_005609.4(PYGM):c.1963G>A (p.Glu655Lys)

Gene: PYGM (glycogen phosphorylase, muscle associated; minus strand). Cytogenetic location: 11q13.1.
Variant type: single nucleotide variant.
Coding change: c.1963G>A on transcript NM_005609.4 (MANE Select); coding-DNA position 1963, G replaced by A.
Protein change: p.Glu655Lys; replaces glutamic acid 655 with lysine.
Molecular consequence: missense variant.
Genome position (GRCh38, 1-based): chr11:64,751,331, C>T on the plus strand (G>A on the coding strand, the complement: PYGM is on the minus strand). VCF-style: chr11-64751331-C-T. GRCh37 (hg19) VCF-style: chr11-64518803-C-T.
Other names: E654K; c.1699G>A, p.Glu567Lys (NM_001164716.1); c.1963G>A (NM_005609.3); short protein forms E655K, E567K.
Identifiers: ClinVar variation 2302 (VCV000002302.12), dbSNP rs119103253, ClinGen allele CA252200.
Genomic context (GRCh38, chr11:64,751,331, plus strand): 5'-TCCTGAGACTGAACTAGTCAGAGCCTCCCTAGGGTCCCTGTTGGCAGCACCCACCTTTCT[C>T]GGCCAGTGAGACTCGGTAGTTCTCCAGGAAGATGACACGGAGGCGGTCACCCACTGCCGG-3'
Protein context (NP_005600.1, residues 645-665): FLENYRVSLA[Glu655Lys]KVIPAADLSE

ClinVar aggregate classification (germline): Pathogenic/Likely pathogenic. Review status: criteria provided, multiple submitters, no conflicts (2 of 4 stars). 8 submissions from 8 submitters: Pathogenic (2); Likely pathogenic (5). 1 of the submissions does not count toward it. Last evaluated 2025-06-30.

Conditions:
Glycogen storage disease, type V (GSD5). Also called: MCARDLE DISEASE; MUSCLE GLYCOGEN PHOSPHORYLASE DEFICIENCY; MYOPHOSPHORYLASE DEFICIENCY; PYGM DEFICIENCY; McArdle type glycogen storage disease. Identifiers: Orphanet 368, MedGen C0017924, MONDO:0009293, OMIM 232600.

Allele frequency attached by ClinVar (database versions not stated): gnomAD 0.00001 and 0.00002; gnomAD exomes 0.00001; TOPMed 0.00001; ExAC 0.00002.
gnomAD v4.1: 19 of 1,614,076 alleles (0.0012%); highest among the groups gnomAD compares: South Asian, 0.015%; no homozygotes.

Submissions (8):

Women's Health and Genetics/Laboratory Corporation of America, LabCorp
Classification: Pathogenic for Glycogen storage disease, type V. Last evaluated: 2025-06-30. Review status: criteria provided, single submitter. Criteria: LabCorp Variant Classification Summary - May 2015. Collection method: clinical testing. Allele origin: germline.
Comment: Variant summary: PYGM c.1963G>A (p.Glu655Lys) results in a conservative amino acid change in the encoded protein sequence. Algorithms developed to predict the effect of missense changes on protein structure and function are either unavailable or do not agree on the potential impact of this missense change. The variant allele was found at a frequency of 1.2e-05 in 251362 control chromosomes. c.1963G>A has been observed in individual(s) affected with Glycogen Storage Disease, Type V (Martinuzzi_1996, Yubero_2016, Joshi_2020, LCG internal data). These data indicate that the variant is very likely to be associated with disease. To our knowledge, no experimental evidence demonstrating an impact on protein function has been reported. The following publications have been ascertained in the context of this evaluation (PMID: 17915571, 32075227, 9120482, 21802952, 27243974). ClinVar contains an entry for this variant (Variation ID: 2302). Based on the evidence outlined above, the variant was classified as pathogenic.

Natera, Inc.
Classification: Likely pathogenic for Glycogen storage disease V. Last evaluated: 2025-05-12. Review status: criteria provided, single submitter. Criteria: Natera Variant Classification Schema (03/2026). Collection method: clinical testing. Allele origin: germline.
Comment: The c.1963G>A variant in PYGM is a missense variant predicted to cause substitution of glutamic acid to lysine at amino acid 655. This variant is rare in the general population with a frequency below the threshold expected for the associated phenotype(s). This variant has been observed in one or more individuals affected with the associated recessive disease, as either homozygous or compound heterozygous with a second variant (PMID: 8535454, 27243974, 32075227). Computational prediction algorithms indicate this variant is likely to affect gene or protein function. Given the available evidence, this variant is classified as Likely Pathogenic.

Myriad Genetics, Inc.
Classification: Likely pathogenic for Glycogen storage disease, type V. Last evaluated: 2025-04-11. Review status: criteria provided, single submitter. Criteria: Myriad Autosomal Dominant, Autosomal Recessive and X-Linked Classification Criteria (2023). Collection method: clinical testing. Allele origin: unknown.
Comment: NM_005609.2(PYGM):c.1963G>A(E655K) is a missense variant classified as likely pathogenic in the context of glycogen storage disease, PYGM-related. E655K has been observed in cases with relevant disease (PMID: 32075227, 9120482, 27243974, 38670875). Relevant functional assessments of this variant are not available in the literature. E655K has been observed in referenced population frequency databases. In summary, NM_005609.2(PYGM):c.1963G>A(E655K) is a missense variant that has been observed more frequently in cases with the relevant disease than in healthy populations. Please note: this variant was assessed in the context of healthy population screening.

Labcorp Genetics (formerly Invitae), Labcorp
Classification: Pathogenic for Glycogen storage disease, type V. Last evaluated: 2024-07-01. Review status: criteria provided, single submitter. Criteria: Invitae Variant Classification Sherloc (09022015). Collection method: clinical testing. Allele origin: germline.
Comment: This sequence change replaces glutamic acid, which is acidic and polar, with lysine, which is basic and polar, at codon 655 of the PYGM protein (p.Glu655Lys). This variant is present in population databases (rs119103253, gnomAD 0.01%). This missense change has been observed in individual(s) with glycogen storage disease (PMID: 8535454, 27243974; Invitae). In at least one individual the data is consistent with being in trans (on the opposite chromosome) from a pathogenic variant. This variant is also known as E654K. ClinVar contains an entry for this variant (Variation ID: 2302). Advanced modeling of protein sequence and biophysical properties (such as structural, functional, and spatial information, amino acid conservation, physicochemical variation, residue mobility, and thermodynamic stability) performed at Invitae indicates that this missense variant is expected to disrupt PYGM protein function with a positive predictive value of 95%. For these reasons, this variant has been classified as Pathogenic.

Fulgent Genetics
Classification: Likely pathogenic for Glycogen storage disease, type V. Last evaluated: 2024-03-09. Review status: criteria provided, single submitter. Criteria: ACMG Guidelines, 2015. Collection method: clinical testing. Allele origin: germline.

Baylor Genetics
Classification: Likely pathogenic for Glycogen storage disease, type V. Last evaluated: 2023-12-02. Review status: criteria provided, single submitter. Criteria: ACMG Guidelines, 2015. Collection method: clinical testing. Allele origin: unknown.

Kariminejad - Najmabadi Pathology & Genetics Center
Classification: Likely pathogenic for Glycogen storage disease, type V. Last evaluated: 2023-03-19. Review status: criteria provided, single submitter. Criteria: ACMG Guidelines, 2015. Collection method: clinical testing. Allele origin: germline. Inheritance: Autosomal recessive inheritance. Affected: yes.
Comment: PP3,PM2,PM3,PP2?

OMIM
Classification: Pathogenic for MCARDLE DISEASE. Last evaluated: 1995-01-01. Review status: no assertion criteria provided. Collection method: literature only. Allele origin: germline. Not counted in ClinVar's aggregate classification.

Literature cited by the submitters: PubMed 27243974 (cited by 4 submitters); PubMed 21802952 (cited by Women's Health and Genetics/Laboratory Corporation of America, LabCorp); PubMed 32075227 (cited by 3 submitters); PubMed 17915571 (cited by Women's Health and Genetics/Laboratory Corporation of America, LabCorp); PubMed 9120482 (cited by Women's Health and Genetics/Laboratory Corporation of America, LabCorp and Myriad Genetics, Inc.); PubMed 8535454 (cited by 3 submitters); PubMed 38670875 (cited by Myriad Genetics, Inc.).